The following is an entry in ClinVar:

ClinVar aggregate classification (germline): Conflicting classifications of pathogenicity. Review status: criteria provided, conflicting classifications (1 of 4 stars). 2 submissions from 2 submitters: Uncertain significance (1); Likely benign (1). Last evaluated 2026-05-11.

Conditions:
Ehlers-Danlos syndrome due to tenascin-X deficiency (EDSCLL1). Also called: TNXB-Related Classical-Like Ehlers-Danlos Syndrome; EDS DUE TO TNX DEFICIENCY; TNX DEFICIENCY; EHLERS-DANLOS SYNDROME, CLASSIC-LIKE; Ehlers-Danlos syndrome, classic-like, 1. Identifiers: Orphanet 230839, MedGen C1848029, MONDO:0011670, OMIM 606408.
Vesicoureteral reflux 8 (VUR8). Identifiers: Orphanet 289365, MedGen C4014831, MONDO:0014422, OMIM 615963.

Allele frequency attached by ClinVar (database versions not stated): gnomAD exomes below 0.00001; TOPMed below 0.00001.
gnomAD v4.1: 2 of 1,599,170 alleles (0.00013%); highest among the groups gnomAD compares: Admixed American, 0.0017%; no homozygotes.

Submissions (2):

Women's Health and Genetics/Laboratory Corporation of America, LabCorp
Classification: Likely benign. Last evaluated: 2026-05-11. Review status: criteria provided, single submitter. Criteria: LabCorp Variant Classification Summary - May 2015. Collection method: clinical testing. Allele origin: germline.

Center for Genomics, Ann and Robert H. Lurie Children's Hospital of Chicago
Classification: Uncertain significance for Ehlers-Danlos syndrome due to tenascin-X deficiency; Vesicoureteral reflux 8. Review status: criteria provided, single submitter. Criteria: ACMG Guidelines, 2015. Collection method: clinical testing. Allele origin: germline.
Comment: TNXB NM_019105.6 exon 16 c.5902+9T>C: This variant has not been reported in the literature and is not present in large control databases. Evolutionary conservation and computational predictive tools for this variant are limited or unavailable. Although this variant occurs in the splice region, computational prediction tools do not suggest that it alters splicing. However, further studies are needed to understand its impact. In summary, data on this variant is insufficient for disease classification. Therefore, the clinical significance of this variant is uncertain

NM_001365276.2(TNXB):c.5902+9T>C

Gene: TNXB (tenascin XB; minus strand). Cytogenetic location: 6p21.33.
Variant type: single nucleotide variant.
Coding change: c.5902+9T>C on transcript NM_001365276.2 (MANE Select); 9 bases into the intron after coding-DNA position 5902, T replaced by C.
Molecular consequence: intron variant.
Genome position (GRCh38, 1-based): chr6:32,068,813, A>G on the plus strand (T>C on the coding strand, the complement: TNXB is on the minus strand). VCF-style: chr6-32068813-A-G. GRCh37 (hg19) VCF-style: chr6-32036590-A-G.
Other names: c.5902+9T>C (NM_019105.8).
Identifiers: ClinVar variation 1675139 (VCV001675139.4), dbSNP rs1159883762, ClinGen allele CA823932964.